The following is an entry in ClinVar:

NM_014053.4(FLVCR1):c.466G>C (p.Ala156Pro)

Gene: FLVCR1 (FLVCR choline and heme transporter 1; plus strand). Cytogenetic location: 1q32.3.
Variant type: single nucleotide variant.
Coding change: c.466G>C on transcript NM_014053.4 (MANE Select); coding-DNA position 466, G replaced by C.
Protein change: p.Ala156Pro; replaces alanine 156 with proline.
Molecular consequence: missense variant.
Genome position (GRCh38, 1-based): chr1:212,858,918, G>C. VCF-style: chr1-212858918-G-C. GRCh37 (hg19) VCF-style: chr1-213032260-G-C.
Other names: short protein forms A156P.
Identifiers: ClinVar variation 2086966 (VCV002086966.4), dbSNP rs2464386268, ClinGen allele CA344796421.

ClinVar aggregate classification (germline): Uncertain significance (1 of 4 stars; one submission).

Submission:

Labcorp Genetics (formerly Invitae), Labcorp
Classification: Uncertain significance. Last evaluated: 2022-05-17. Review status: criteria provided, single submitter. Criteria: Invitae Variant Classification Sherloc (09022015). Collection method: clinical testing. Allele origin: germline.
Comment: This sequence change replaces alanine, which is neutral and non-polar, with proline, which is neutral and non-polar, at codon 156 of the FLVCR1 protein (p.Ala156Pro). This variant is not present in population databases (gnomAD no frequency). This variant has not been reported in the literature in individuals affected with FLVCR1-related conditions. Algorithms developed to predict the effect of missense changes on protein structure and function are either unavailable or do not agree on the potential impact of this missense change (SIFT: "Tolerated"; PolyPhen-2: "Possibly Damaging"; Align-GVGD: "Class C0"). In summary, the available evidence is currently insufficient to determine the role of this variant in disease. Therefore, it has been classified as a Variant of Uncertain Significance.